The following is an entry in ClinVar:

ClinVar aggregate classification (germline): Pathogenic/Likely pathogenic. Review status: criteria provided, multiple submitters, no conflicts (2 of 4 stars). 3 submissions from 3 submitters: Pathogenic (2); Likely pathogenic (1). Last evaluated 2024-07-01.

Conditions:
Usher syndrome type 1F (USH1F). Also called: USHER SYNDROME, TYPE IF. Identifiers: Orphanet 231169, Orphanet 886, MedGen C1865885, MONDO:0011186, OMIM 602083.
PCDH15-related disorder. Also called: PCDH15-related disorders; PCDH15-related condition.

Allele frequency attached by ClinVar (database versions not stated): gnomAD exomes below 0.00001; ExAC 0.00001; gnomAD 0.00001.

Submissions (3):

Myriad Genetics, Inc.
Classification: Pathogenic for Usher syndrome type 1F. Last evaluated: 2024-07-01. Review status: criteria provided, single submitter. Criteria: Myriad Autosomal Dominant, Autosomal Recessive and X-Linked Classification Criteria (2023). Collection method: clinical testing. Allele origin: unknown.
Comment: NM_033056.3(PCDH15):c.3964delG(D1322Ifs*39) is expected to be pathogenic in the context of PCDH15-related disorders. This variant is predicted to lead to an abnormal or absent protein product due to the creation of a premature termination codon in PCDH15, a gene where loss-of-function variants are known to be pathogenic. Please note: this variant was assessed in the context of healthy population screening.

Labcorp Genetics (formerly Invitae), Labcorp
Classification: Pathogenic. Last evaluated: 2023-05-13. Review status: criteria provided, single submitter. Criteria: Invitae Variant Classification Sherloc (09022015). Collection method: clinical testing. Allele origin: germline.
Comment: This premature translational stop signal has been observed in individual(s) with Usher syndrome (PMID: 25468891). For these reasons, this variant has been classified as Pathogenic. This variant is present in population databases (rs770827979, gnomAD 0.0009%). This sequence change creates a premature translational stop signal (p.Asp1322Ilefs*39) in the PCDH15 gene. It is expected to result in an absent or disrupted protein product. Loss-of-function variants in PCDH15 are known to be pathogenic (PMID: 11398101, 11487575, 14570705).

Blueprint Genetics
Classification: Likely pathogenic for PCDH15-related disorders. Last evaluated: 2021-07-28. Review status: criteria provided, single submitter. Criteria: ACMG Guidelines, 2015. Collection method: clinical testing. Allele origin: germline. Affected: yes. Observed: 1 variant allele.

Literature cited by the submitters: PubMed 25468891 (cited by Labcorp Genetics (formerly Invitae), Labcorp); PubMed 11398101 (cited by Labcorp Genetics (formerly Invitae), Labcorp); PubMed 11487575 (cited by Labcorp Genetics (formerly Invitae), Labcorp); PubMed 14570705 (cited by Labcorp Genetics (formerly Invitae), Labcorp).

NM_001384140.1(PCDH15):c.3964del (p.Asp1322fs)

Gene: PCDH15 (protocadherin related 15; minus strand). Cytogenetic location: 10q21.1.
Variant type: Deletion.
Coding change: c.3964del on transcript NM_001384140.1 (MANE Select); coding-DNA position 3964, one base deleted (G; older notation c.3964delG).
Protein change: p.Asp1322fs; shifts the reading frame from aspartic acid 1322.
Molecular consequence: frameshift variant.
Genome position (GRCh38, 1-based): chr10:53,840,339, C deleted on the plus strand (G on the coding strand, the reverse complement: PCDH15 is on the minus strand). VCF-style (leftmost placement, unchanged base first): chr10-53840338-TC-T. GRCh37 (hg19) VCF-style: chr10-55600098-TC-T.
Other names: c.3979del, p.Asp1327fs (NM_001142763.2, NM_001142771.2); c.3964del, p.Asp1322fs (NM_001142764.2, NM_001142766.2, NM_001142770.3 and 4 more transcripts); c.3751del, p.Asp1251fs (NM_001142765.2); c.3853del, p.Asp1285fs (NM_001142767.2); c.3898del, p.Asp1300fs (NM_001142768.2, NM_001142773.2, NM_001354404.2); c.4000delG, p.Asp1334Ilefs (NM_001142769.4); c.3985del, p.Asp1329fs (NM_001354411.2); short protein forms D1251fs, D1285fs, D1334fs, D1300fs, D1322fs, D1327fs, D1329fs.
Identifiers: ClinVar variation 2735400 (VCV002735400.5), dbSNP rs770827979, ClinGen allele CA5505505.